The following is an entry in ClinVar:

NM_003482.4(KMT2D):c.11704C>T (p.Gln3902Ter)

Gene: KMT2D (lysine methyltransferase 2D; minus strand). Cytogenetic location: 12q13.12.
Variant type: single nucleotide variant.
Coding change: c.11704C>T on transcript NM_003482.4 (MANE Select); coding-DNA position 11704, C replaced by T.
Protein change: p.Gln3902Ter; replaces glutamine 3902 with a stop codon.
Molecular consequence: nonsense.
Genome position (GRCh38, 1-based): chr12:49,033,001, G>A on the plus strand (C>T on the coding strand, the complement: KMT2D is on the minus strand). VCF-style: chr12-49033001-G-A. GRCh37 (hg19) VCF-style: chr12-49426784-G-A.
Other names: short protein forms Q3902*.
Identifiers: ClinVar variation 4530509 (VCV004530509.1).
Genomic context (GRCh38, chr12:49,033,001, plus strand): 5'-GTTGTAGCTGCTGCTGCTGCTGCTGCTGAAGTTGCTGTTGCTGTTGCAGCTGCTGCTGCT[G>A]CTGAAGCTGCTGTAAAGAGCCCATGGGCTGAGCGCTCAGTTTGGGCTGCCCACTGTGTGA-3'

ClinVar aggregate classification (somatic clinical impact): Tier II - Potential (1 of 4 stars; one submission).

Conditions:
Glioma. Also called: Neuroglial tumor. Identifiers: Orphanet 182067, MedGen C0017638, MeSH D005910, MONDO:0021042, HP:0009733.

Submission:

Institute for Genomic Medicine (IGM) Clinical Laboratory, Nationwide Children's Hospital
Classification: Tier II - Potential for Glioma. Assertion type: diagnostic. Clinical significance: supports diagnosis. Last evaluated: 2025-10-22. Review status: criteria provided, single submitter. Criteria: AMP/ASCO/CAP Guidelines, 2017. Collection method: clinical testing. Allele origin: somatic. Affected: yes.
Comment: Variant has Tier II (potential) clinical significance as a diagnostic inclusion criterion in glioma, based on the following evidence: 1) Documented in one or more cancer databases (e.g., St. Jude Pecan, COSMIC, CIViC, OncoKB). 2) Information in the literature supports potential biologic effect of variant. 3) Diagnostic significance based on multiple small studies (Evidence Level C; PMIDs: 28966033, 24705251, 40063504, 28263318, 35050747, 28852847).

Literature cited by the submitters: PubMed 28966033; PubMed 24705251; PubMed 40063504; PubMed 28263318; PubMed 35050747; PubMed 28852847.